The following is an entry in ClinVar:

ClinVar aggregate classification (germline): Pathogenic (1 of 4 stars; one submission).

Conditions:
Bruck syndrome 1 (BRKS1). Also called: ARTHROGRYPOSIS-LIKE DISORDER. Identifiers: Orphanet 1149, Orphanet 2771, MedGen C1850168, MONDO:0009806, OMIM 259450.

Submission:

Clinical Biomedical Laboratory, Shriners Hospital For Children - Canada
Classification: Pathogenic for Bruck syndrome 1. Review status: criteria provided, single submitter. Criteria: ACMG Guidelines, 2015. Collection method: clinical testing. Allele origin: germline. Affected: yes.
Comment: This variant is predicted to substitute a lysine residue for a cysteine residue, cause a frameshift and introduce a stop codon 35 amino acids downstream. This is expected to cause a degradation of the affected transcript. The variant is absent from the gnomAD v.2.1.1 database. Based on the ACMG variant interpretation guidelines, the available evidence supports classification of this variant as pathogenic.

NM_021939.4(FKBP10):c.987del (p.Leu330fs)

Gene: FKBP10 (FKBP prolyl isomerase 10; plus strand). Cytogenetic location: 17q21.2.
Variant type: Deletion.
Coding change: c.987del on transcript NM_021939.4 (MANE Select); coding-DNA position 987, one base deleted (G; older notation c.987delG).
Protein change: p.Leu330fs; shifts the reading frame from leucine 330.
Molecular consequence: frameshift variant.
Genome position (GRCh38, 1-based): chr17:41,819,599, G deleted; the last of 4 consecutive G bases (chr17:41,819,596-41,819,599); deleting any one gives the same sequence. VCF-style (leftmost placement, unchanged base first): chr17-41819595-AG-A. GRCh37 (hg19) VCF-style: chr17-39975847-AG-A.
Other names: short protein forms L330fs.
Identifiers: ClinVar variation 4819323 (VCV004819323.1).